The following is an entry in ClinVar:

NM_000059.4(BRCA2):c.3068A>G (p.Asn1023Ser)

Gene: BRCA2 (BRCA2 DNA repair associated; plus strand). Cytogenetic location: 13q13.1.
Variant type: single nucleotide variant.
Coding change: c.3068A>G on transcript NM_000059.4 (MANE Select); coding-DNA position 3068, A replaced by G.
Protein change: p.Asn1023Ser; replaces asparagine 1023 with serine.
Molecular consequence: missense variant.
Genome position (GRCh38, 1-based): chr13:32,337,423, A>G. VCF-style: chr13-32337423-A-G. GRCh37 (hg19) VCF-style: chr13-32911560-A-G.
Other names: short protein forms N1023S.
Identifiers: ClinVar variation 185691 (VCV000185691.22), dbSNP rs776196396, ClinGen allele CA017138.

ClinVar aggregate classification (germline): Conflicting classifications of pathogenicity. Review status: criteria provided, conflicting classifications (1 of 4 stars). 7 submissions from 7 submitters: Uncertain significance (6); Likely benign (1). Last evaluated 2026-06-13.

Conditions:
Hereditary cancer-predisposing syndrome. Also called: Neoplastic Syndromes, Hereditary; Tumor predisposition; Hereditary neoplastic syndrome; Hereditary Cancer Syndrome. Identifiers: Orphanet 140162, MedGen C0027672, MeSH D009386, MONDO:0015356.
Hereditary breast ovarian cancer syndrome. Also called: Hereditary breast and ovarian cancer syndrome (HBOC); Hereditary breast and ovarian cancer syndrome; Breast and ovarian cancer; Hereditary breast and ovarian cancer; Hereditary breast and/or ovarian cancer syndrome; BRCA1- and BRCA2-Associated Hereditary Breast and Ovarian Cancer. Identifiers: Orphanet 145, MedGen C0677776, MeSH D061325, MONDO:0003582. Disease mechanism: loss of function.
Breast-ovarian cancer, familial, susceptibility to, 2 (BROVCA2). Also called: BRCA2 Hereditary Breast and Ovarian Cancer. Identifiers: Orphanet 145, MedGen C2675520, MONDO:0012933, OMIM 612555. Disease mechanism: loss of function.

Submissions (7):

Women's Health and Genetics/Laboratory Corporation of America, LabCorp
Classification: Uncertain significance. Last evaluated: 2026-06-13. Review status: criteria provided, single submitter. Criteria: LabCorp Variant Classification Summary - May 2015. Collection method: clinical testing. Allele origin: germline.

Ambry Genetics
Classification: Uncertain significance for Hereditary cancer-predisposing syndrome. Last evaluated: 2025-04-29. Review status: criteria provided, single submitter. Criteria: Ambry Variant Classification Scheme 2023. Collection method: clinical testing. Allele origin: germline.
Comment: The p.N1023S variant (also known as c.3068A>G), located in coding exon 10 of the BRCA2 gene, results from an A to G substitution at nucleotide position 3068. The asparagine at codon 1023 is replaced by serine, an amino acid with highly similar properties. This amino acid position is not well conserved in available vertebrate species. In addition, this alteration is predicted to be tolerated by in silico analysis. Since supporting evidence is limited at this time, the clinical significance of this alteration remains unclear.

All of Us Research Program, National Institutes of Health
Classification: Uncertain significance for Breast-ovarian cancer, familial, susceptibility to, 2. Last evaluated: 2023-05-08. Review status: criteria provided, single submitter. Criteria: ACMG Guidelines, 2015. Collection method: clinical testing. Allele origin: germline. Inheritance: Autosomal dominant inheritance. Observed: 1 variant allele, 1 heterozygote.
Comment: This study involves interpretation of variants in research participants for the purpose of population health screening. Participant phenotype was not available at the time of variant classification. Additional details can be found in publication PMID: 35346344, PMCID: PMC8962531

University of Washington Department of Laboratory Medicine, University of Washington
Classification: Likely benign for Hereditary cancer-predisposing syndrome. Last evaluated: 2023-03-23. Review status: criteria provided, single submitter. Criteria: Dines et al. (Genet Med. 2020). Collection method: curation. Allele origin: germline.
Comment: Missense variant in a coldspot region where missense variants are very unlikely to be pathogenic (PMID:31911673).

BRCA2 exon 11 coldspot. Reclassification based on statistical prior probability.

Labcorp Genetics (formerly Invitae), Labcorp
Classification: Uncertain significance for Hereditary breast ovarian cancer syndrome. Last evaluated: 2020-09-24. Review status: criteria provided, single submitter. Criteria: Invitae Variant Classification Sherloc (09022015). Collection method: clinical testing. Allele origin: germline.
Comment: In summary, the available evidence is currently insufficient to determine the role of this variant in disease. Therefore, it has been classified as a Variant of Uncertain Significance. Algorithms developed to predict the effect of sequence changes on RNA splicing suggest that this variant may create or strengthen a splice site, but this prediction has not been confirmed by published transcriptional studies. Algorithms developed to predict the effect of missense changes on protein structure and function output the following: SIFT: "Tolerated"; PolyPhen-2: "Possibly Damaging"; Align-GVGD: "Class C0". The serine amino acid residue is found in multiple mammalian species, suggesting that this missense change does not adversely affect protein function. These predictions have not been confirmed by published functional studies and their clinical significance is uncertain. This variant has not been reported in the literature in individuals with BRCA2-related conditions. ClinVar contains an entry for this variant (Variation ID: 185691). This variant is not present in population databases (ExAC no frequency). This sequence change replaces asparagine with serine at codon 1023 of the BRCA2 protein (p.Asn1023Ser). The asparagine residue is moderately conserved and there is a small physicochemical difference between asparagine and serine.

Color Diagnostics, LLC DBA Color Health
Classification: Uncertain significance for Hereditary cancer-predisposing syndrome. Last evaluated: 2019-06-25. Review status: criteria provided, single submitter. Criteria: ACMG Guidelines, 2015. Collection method: clinical testing. Allele origin: germline.

GeneDx
Classification: Uncertain significance. Last evaluated: 2019-05-30. Review status: criteria provided, single submitter. Criteria: GeneDx Variant Classification Process June 2021. Collection method: clinical testing. Allele origin: germline. Affected: yes.
Comment: Not observed at a significant frequency in large population cohorts (Lek et al., 2016); Has not been previously published as pathogenic or benign to our knowledge